The following is an entry in ClinVar:

NM_018489.3(ASH1L):c.7080A>G (p.Val2360=)

Gene: ASH1L (ASH1 like histone lysine methyltransferase; minus strand). Cytogenetic location: 1q22.
Variant type: single nucleotide variant.
Coding change: c.7080A>G on transcript NM_018489.3 (MANE Select); coding-DNA position 7080, A replaced by G.
Protein change: p.Val2360=; no amino-acid change (valine 2360 retained).
Molecular consequence: synonymous variant.
Genome position (GRCh38, 1-based): chr1:155,354,606, T>C on the plus strand (A>G on the coding strand, the complement: ASH1L is on the minus strand). VCF-style: chr1-155354606-T-C. GRCh37 (hg19) VCF-style: chr1-155324397-T-C.
Other names: c.7095A>G, p.Val2365= (NM_001366177.2).
Identifiers: ClinVar variation 3041216 (VCV003041216.2), dbSNP rs143986534, ClinGen allele CA1146177.

ClinVar aggregate classification (germline): Likely benign (0 of 4 stars; one submission).

Conditions:
ASH1L-related disorder. Also called: ASH1L-related condition.

Allele frequency attached by ClinVar (database versions not stated): ExAC 0.00005; gnomAD 0.00011; TOPMed 0.00011; ESP Exome Variant Server 0.00015; gnomAD exomes 0.00025.
gnomAD v4.1: 376 of 1,611,788 alleles (0.023%); highest among the groups gnomAD compares: Non-Finnish European, 0.03%; no homozygotes.

Submission:

PreventionGenetics, part of Exact Sciences
Classification: Likely benign for ASH1L-related condition. Last evaluated: 2019-05-15. Review status: no assertion criteria provided. Collection method: clinical testing. Allele origin: germline.
Comment: This variant is classified as likely benign based on ACMG/AMP sequence variant interpretation guidelines (Richards et al. 2015 PMID: 25741868, with internal and published modifications).